The following is an entry in ClinVar:

NM_012062.5(DNM1L):c.1553A>G (p.Asn518Ser)

Gene: DNM1L (dynamin 1 like; plus strand). Cytogenetic location: 12p11.21.
Variant type: single nucleotide variant.
Coding change: c.1553A>G on transcript NM_012062.5 (MANE Select); coding-DNA position 1553, A replaced by G.
Protein change: p.Asn518Ser; replaces asparagine 518 with serine.
Molecular consequence: missense variant.
Genome position (GRCh38, 1-based): chr12:32,737,118, A>G. VCF-style: chr12-32737118-A-G. GRCh37 (hg19) VCF-style: chr12-32890052-A-G.
Other names: c.1553A>G, p.Asn518Ser (NM_001278463.2, NM_005690.5, NM_012063.4); c.1592A>G, p.Asn531Ser (NM_001278464.2, NM_001278465.2, NM_001330380.2); c.944A>G, p.Asn315Ser (NM_001278466.2); short protein forms N315S, N518S, N531S.
Identifiers: ClinVar variation 1719823 (VCV001719823.5), dbSNP rs1378374416, ClinGen allele CA384360691.

ClinVar aggregate classification (germline): Uncertain significance (1 of 4 stars; one submission).

Allele frequency attached by ClinVar (database versions not stated): gnomAD exomes below 0.00001; gnomAD 0.00001; TOPMed 0.00001.
gnomAD v4.1: 3 of 1,613,638 alleles (0.00019%); highest among the groups gnomAD compares: African/African-American, 0.0027%; no homozygotes.

Submission:

Labcorp Genetics (formerly Invitae), Labcorp
Classification: Uncertain significance. Last evaluated: 2022-09-19. Review status: criteria provided, single submitter. Criteria: Invitae Variant Classification Sherloc (09022015). Collection method: clinical testing. Allele origin: germline.
Comment: This sequence change replaces asparagine, which is neutral and polar, with serine, which is neutral and polar, at codon 518 of the DNM1L protein (p.Asn518Ser). Algorithms developed to predict the effect of missense changes on protein structure and function (SIFT, PolyPhen-2, Align-GVGD) all suggest that this variant is likely to be tolerated. In summary, the available evidence is currently insufficient to determine the role of this variant in disease. Therefore, it has been classified as a Variant of Uncertain Significance. This variant is present in population databases (no rsID available, gnomAD 0.01%). This variant has not been reported in the literature in individuals affected with DNM1L-related conditions.